The following is an entry in ClinVar:

ClinVar aggregate classification (germline): Uncertain significance (1 of 4 stars; one submission).

Conditions:
Developmental and epileptic encephalopathy, 14 (DEE14). Also called: Early infantile epileptic encephalopathy 14. Identifiers: Orphanet 293181, MedGen C3554195, MONDO:0013989, OMIM 614959.

Submission:

3billion
Classification: Uncertain significance for Developmental and epileptic encephalopathy, 14. Last evaluated: 2023-06-13. Review status: criteria provided, single submitter. Criteria: ACMG Guidelines, 2015. Collection method: clinical testing. Allele origin: germline. Affected: yes.
Comment: The variant is not observed in the gnomAD v2.1.1 dataset. Predicted Consequence/Location: Missense changes are a common disease-causing mechanism. Therefore, this variant is classified as VUS according to the recommendation of ACMG/AMP guideline.

NM_020822.3(KCNT1):c.2023G>C (p.Asp675His)

Gene: KCNT1 (potassium sodium-activated channel subfamily T member 1; plus strand). Cytogenetic location: 9q34.3.
Variant type: single nucleotide variant.
Coding change: c.2023G>C on transcript NM_020822.3 (MANE Select); coding-DNA position 2023, G replaced by C.
Protein change: p.Asp675His; replaces aspartic acid 675 with histidine.
Molecular consequence: missense variant.
Genome position (GRCh38, 1-based): chr9:135,772,729, G>C. VCF-style: chr9-135772729-G-C. GRCh37 (hg19) VCF-style: chr9-138664575-G-C.
Other names: c.1888G>C, p.Asp630His (NM_001272003.2); short protein forms D630H, D675H.
Identifiers: ClinVar variation 3775564 (VCV003775564.1).